The following is an entry in ClinVar:

ClinVar aggregate classification (germline): Uncertain significance (1 of 4 stars; one submission).

gnomAD v4.1: 8 of 1,613,356 alleles (0.0005%); highest among the groups gnomAD compares: Non-Finnish European, 0.00068%; no homozygotes.

Submission:

GeneDx
Classification: Uncertain significance. Last evaluated: 2025-08-07. Review status: criteria provided, single submitter. Criteria: GeneDx Variant Classification Process June 2021. Collection method: clinical testing. Allele origin: germline. Affected: yes.
Comment: Not observed at significant frequency in large population cohorts (gnomAD); In silico analysis suggests that this missense variant does not alter protein structure/function; Has not been previously published as pathogenic or benign to our knowledge

NM_003922.4(HERC1):c.4972T>G (p.Ser1658Ala)

Gene: HERC1 (HECT and RLD domain containing E3 ubiquitin protein ligase family member 1; minus strand). Cytogenetic location: 15q22.31.
Variant type: single nucleotide variant.
Coding change: c.4972T>G on transcript NM_003922.4 (MANE Select); coding-DNA position 4972, T replaced by G.
Protein change: p.Ser1658Ala; replaces serine 1658 with alanine.
Molecular consequence: missense variant.
Genome position (GRCh38, 1-based): chr15:63,696,273, A>C on the plus strand (T>G on the coding strand, the complement: HERC1 is on the minus strand). VCF-style: chr15-63696273-A-C. GRCh37 (hg19) VCF-style: chr15-63988472-A-C.
Other names: short protein forms S1658A.
Identifiers: ClinVar variation 4755605 (VCV004755605.1).